The following is an entry in ClinVar:

NM_001040142.2(SCN2A):c.2034A>G (p.Thr678=)

Gene: SCN2A (sodium voltage-gated channel alpha subunit 2; plus strand). Cytogenetic location: 2q24.3.
Variant type: single nucleotide variant.
Coding change: c.2034A>G on transcript NM_001040142.2 (MANE Select); coding-DNA position 2034, A replaced by G.
Protein change: p.Thr678=; no amino-acid change (threonine 678 retained).
Molecular consequence: synonymous variant.
Genome position (GRCh38, 1-based): chr2:165,326,869, A>G. VCF-style: chr2-165326869-A-G. GRCh37 (hg19) VCF-style: chr2-166183379-A-G.
Other names: p.T678T:ACA>ACG; p.Thr678=; c.2034A>G, p.Thr678= (NM_001040143.2, NM_001371246.1, NM_001371247.1 and 1 more transcripts).
Identifiers: ClinVar variation 139032 (VCV000139032.37), dbSNP rs147891446, ClinGen allele CA302745.

ClinVar aggregate classification (germline): Benign/Likely benign. Review status: criteria provided, multiple submitters, no conflicts (2 of 4 stars). 13 submissions from 13 submitters: Benign (8); Likely benign (2). 3 of the submissions do not count toward it. Last evaluated 2026-02-03.

Conditions:
Inborn genetic diseases. Identifiers: MedGen C0950123, MeSH D030342.
Seizures, benign familial infantile, 3 (BFIS3). Also called: CONVULSIONS, BENIGN FAMILIAL INFANTILE, 3; Familial neonatal seizures. Identifiers: Orphanet 140927, Orphanet 306, MedGen C1843140, MONDO:0011904, OMIM 607745.
Developmental and epileptic encephalopathy, 11 (DEE11). Also called: Early infantile epileptic encephalopathy 11. Identifiers: Orphanet 1934, MedGen C3150987, MONDO:0013388, OMIM 613721.

Allele frequency attached by ClinVar (database versions not stated): TOPMed 0.00484; gnomAD 0.00486 and 0.00504; 1000 Genomes Project 30x 0.00500; 1000 Genomes Project 0.00539; ESP Exome Variant Server 0.00554; gnomAD exomes 0.00775 and 0.00655; ExAC 0.00687.
gnomAD v4.1: 12,033 of 1,613,978 alleles (0.75%); highest among the groups gnomAD compares: South Asian, 1.8%; 84 homozygotes.

Submissions (13):

Labcorp Genetics (formerly Invitae), Labcorp
Classification: Benign for Seizures, benign familial infantile, 3; Developmental and epileptic encephalopathy, 11. Last evaluated: 2026-02-03. Review status: criteria provided, single submitter. Criteria: Invitae Variant Classification Sherloc (09022015). Collection method: clinical testing. Allele origin: germline.

ARUP Laboratories, Molecular Genetics and Genomics, ARUP Laboratories
Classification: Benign. Last evaluated: 2024-10-14. Review status: criteria provided, single submitter. Criteria: ARUP Molecular Germline Variant Investigation Process 2024. Collection method: clinical testing. Allele origin: germline.

Athena Diagnostics
Classification: Benign. Last evaluated: 2024-09-17. Review status: criteria provided, single submitter. Criteria: Athena Diagnostics Criteria. Collection method: clinical testing. Allele origin: unknown.

Mayo Clinic Laboratories, Mayo Clinic
Classification: Benign. Last evaluated: 2024-05-09. Review status: criteria provided, single submitter. Criteria: ACMG Guidelines, 2015. Collection method: clinical testing. Allele origin: germline. Observed: 15 variant alleles.
Comment: BA1, BS2, BP4, BP7

Illumina Laboratory Services, Illumina
Classification: Benign for Seizures, benign familial infantile, 3. Last evaluated: 2018-01-12. Review status: criteria provided, single submitter. Criteria: ICSL Variant Classification Criteria 13 December 2019. Collection method: clinical testing. Allele origin: germline.
Comment: This variant was observed in the ICSL laboratory as part of a predisposition screen in an ostensibly healthy population. It had not been previously curated by ICSL or reported in the Human Gene Mutation Database (HGMD: prior to June 1st, 2018), and was therefore a candidate for classification through an automated scoring system. Utilizing variant allele frequency, disease prevalence and penetrance estimates, and inheritance mode, an automated score was calculated to assess if this variant is too frequent to cause the disease. Based on the score and internal cut-off values, a variant classified as benign is not then subjected to further curation. The score for this variant resulted in a classification of benign for this disease.

Ambry Genetics
Classification: Benign for Inborn genetic diseases. Last evaluated: 2016-04-07. Review status: criteria provided, single submitter. Criteria: Ambry Variant Classification Scheme 2023. Collection method: clinical testing. Allele origin: germline.

Genetic Services Laboratory, University of Chicago
Classification: Likely benign. Last evaluated: 2015-06-25. Review status: criteria provided, single submitter. Criteria: ACMG Guidelines, 2015. Collection method: clinical testing. Allele origin: germline.

Eurofins Ntd Llc (ga)
Classification: Benign. Last evaluated: 2015-01-30. Review status: criteria provided, single submitter. Criteria: EGL Classification Definitions 2015. Collection method: clinical testing. Allele origin: germline. Observed: 1 variant allele, 1 heterozygote.

GeneDx
Classification: Benign. Last evaluated: 2012-11-14. Review status: criteria provided, single submitter. Criteria: GeneDx Variant Classification (06012015). Collection method: clinical testing. Allele origin: germline. Affected: yes.
Comment: This variant is considered likely benign or benign based on one or more of the following criteria: it is a conservative change, it occurs at a poorly conserved position in the protein, it is predicted to be benign by multiple in silico algorithms, and/or has population frequency not consistent with disease.

Breakthrough Genomics
Classification: Likely benign. Review status: criteria provided, single submitter. Criteria: ACMG Guidelines, 2015. Collection method: not provided. Allele origin: germline. Inheritance: Autosomal dominant inheritance. Affected: yes.

Clinical Genetics DNA and cytogenetics Diagnostics Lab, Erasmus MC, Erasmus Medical Center
Classification: Likely benign. Review status: no assertion criteria provided. Collection method: clinical testing. Allele origin: germline. Affected: yes. Study: VKGL Data-share Consensus. Not counted in ClinVar's aggregate classification.

Diagnostic Laboratory, Department of Genetics, University Medical Center Groningen
Classification: Likely benign. Review status: no assertion criteria provided. Collection method: clinical testing. Allele origin: germline. Affected: yes. Study: VKGL Data-share Consensus. Not counted in ClinVar's aggregate classification.

Genome Diagnostics Laboratory, University Medical Center Utrecht
Classification: Likely benign. Review status: no assertion criteria provided. Collection method: clinical testing. Allele origin: germline. Affected: yes. Study: VKGL Data-share Consensus. Not counted in ClinVar's aggregate classification.

Literature cited by the submitters: PubMed 26555645 (cited by Athena Diagnostics).